The following is an entry in ClinVar:

NM_199420.4(POLQ):c.2115A>C (p.Arg705Ser)

Gene: POLQ (DNA polymerase theta; minus strand). Cytogenetic location: 3q13.33.
Variant type: single nucleotide variant.
Coding change: c.2115A>C on transcript NM_199420.4 (MANE Select); coding-DNA position 2115, A replaced by C.
Protein change: p.Arg705Ser; replaces arginine 705 with serine.
Molecular consequence: missense variant.
Genome position (GRCh38, 1-based): chr3:121,498,515, T>G on the plus strand (A>C on the coding strand, the complement: POLQ is on the minus strand). VCF-style: chr3-121498515-T-G. GRCh37 (hg19) VCF-style: chr3-121217362-T-G.
Other names: short protein forms R705S.
Identifiers: ClinVar variation 1786160 (VCV001786160.2), dbSNP rs2546794675, ClinGen allele CA354109859.

ClinVar aggregate classification (germline): Uncertain significance (1 of 4 stars; one submission).

Submission:

Ambry Genetics
Classification: Uncertain significance. Last evaluated: 2021-09-20. Review status: criteria provided, single submitter. Criteria: Ambry Variant Classification Scheme 2023. Collection method: clinical testing. Allele origin: germline.
Comment: The p.R705S variant (also known as c.2115A>C), located in coding exon 13 of the POLQ gene, results from an A to C substitution at nucleotide position 2115. The arginine at codon 705 is replaced by serine, an amino acid with dissimilar properties. This amino acid position is conserved. In addition, this alteration is predicted to be tolerated by in silico analysis. Since supporting evidence is limited at this time, the clinical significance of this alteration remains unclear.